The following is an entry in ClinVar:

ClinVar aggregate classification (germline): Uncertain significance. Review status: criteria provided, multiple submitters, no conflicts (2 of 4 stars). 3 submissions from 3 submitters: Uncertain significance (3). Last evaluated 2023-10-23.

Conditions:
Spastic paraplegia. Identifiers: MedGen C0037772, HP:0001258.

Submissions (3):

GeneDx
Classification: Uncertain significance. Last evaluated: 2023-10-23. Review status: criteria provided, single submitter. Criteria: GeneDx Variant Classification Process June 2021. Collection method: clinical testing. Allele origin: germline. Affected: yes.
Comment: Not observed at significant frequency in large population cohorts (gnomAD); In-frame deletion of 3 amino acids in a non-repeat region; In silico analysis supports a deleterious effect on protein structure/function; Has not been previously published as pathogenic or benign to our knowledge

Labcorp Genetics (formerly Invitae), Labcorp
Classification: Uncertain significance for Spastic paraplegia. Last evaluated: 2023-05-07. Review status: criteria provided, single submitter. Criteria: Invitae Variant Classification Sherloc (09022015). Collection method: clinical testing. Allele origin: germline.
Comment: In summary, the available evidence is currently insufficient to determine the role of this variant in disease. Therefore, it has been classified as a Variant of Uncertain Significance. Experimental studies and prediction algorithms are not available or were not evaluated, and the functional significance of this variant is currently unknown. ClinVar contains an entry for this variant (Variation ID: 2433278). This variant has not been reported in the literature in individuals affected with L1CAM-related conditions. This variant is present in population databases (no rsID available, gnomAD 0.02%). This variant, c.2581_2589del, results in the deletion of 3 amino acid(s) of the L1CAM protein (p.His861_Lys863del), but otherwise preserves the integrity of the reading frame.

Revvity Omics, Revvity
Classification: Uncertain significance. Last evaluated: 2022-05-12. Review status: criteria provided, single submitter. Criteria: ACMG Guidelines, 2015. Collection method: clinical testing. Allele origin: germline.

NM_001278116.2(L1CAM):c.2581_2589del (p.His861_Lys863del)

Gene: L1CAM (L1 cell adhesion molecule; minus strand). Cytogenetic location: Xq28.
Variant type: Deletion.
Coding change: c.2581_2589del on transcript NM_001278116.2 (MANE Select); coding-DNA positions 2581 to 2589, 9 bases deleted (CACAGCAAG; older notation c.2581_2589delCACAGCAAG).
Protein change: p.His861_Lys863del.
Molecular consequence: inframe deletion.
Genome position (GRCh38, 1-based): chrX:153,865,459-153,865,467, CTTGCTGTG deleted on the plus strand (CACAGCAAG on the coding strand, the reverse complement: L1CAM is on the minus strand); deleting any 9 consecutive bases within chrX:153,865,459-153,865,470 gives the same sequence; the c. name uses the placement nearest the transcript's 3' end. VCF-style (leftmost placement, unchanged base first): chrX-153865458-TCTTGCTGTG-T. GRCh37 (hg19) VCF-style: chrX-153130913-TCTTGCTGTG-T.
Other names: c.2581_2589del, p.His861_Lys863del (NM_000425.5, NM_024003.3); c.2566_2574del, p.His856_Lys858del (NM_001143963.2); c.2581_2589del (NM_000425.3).
Identifiers: ClinVar variation 2433278 (VCV002433278.7), dbSNP rs1475828038, ClinGen allele CA645288914.